The following is an entry in ClinVar:

NM_005896.4(IDH1):c.401C>T (p.Ala134Val)

Gene: IDH1 (isocitrate dehydrogenase (NADP(+)) 1; minus strand). Cytogenetic location: 2q34.
Variant type: single nucleotide variant.
Coding change: c.401C>T on transcript NM_005896.4 (MANE Select); coding-DNA position 401, C replaced by T.
Protein change: p.Ala134Val; replaces alanine 134 with valine.
Molecular consequence: missense variant.
Genome position (GRCh38, 1-based): chr2:208,248,382, G>A on the plus strand (C>T on the coding strand, the complement: IDH1 is on the minus strand). VCF-style: chr2-208248382-G-A. GRCh37 (hg19) VCF-style: chr2-209113106-G-A.
Other names: c.401C>T, p.Ala134Val (NM_001282386.1, NM_001282387.1); short protein forms A134V.
Identifiers: ClinVar variation 1737094 (VCV001737094.2), dbSNP rs1688060815, ClinGen allele CA350100984.
Genomic context (GRCh38, chr2:208,248,382, plus strand): 5'-ATGAAAAAAAAAACATGCAAAATCACATTATTGCCAACATGACTTACTTGATCCCCATAA[G>A]CATGACGACCTATGATGATAGGTTTTACCCATCCACTCACAAGCCGGGGGATATTTTTGC-3'
Protein context (NP_005887.2, residues 124-144): WVKPIIIGRH[Ala134Val]YGDQYRATDF

ClinVar aggregate classification (germline): Uncertain significance (1 of 4 stars; one submission).

Submission:

Ambry Genetics
Classification: Uncertain significance. Last evaluated: 2021-06-20. Review status: criteria provided, single submitter. Criteria: Ambry Variant Classification Scheme 2023. Collection method: clinical testing. Allele origin: germline.
Comment: The p.A134V variant (also known as c.401C>T), located in coding exon 2 of the IDH1 gene, results from a C to T substitution at nucleotide position 401. The alanine at codon 134 is replaced by valine, an amino acid with similar properties. This amino acid position is conserved. In addition, this alteration is predicted to be deleterious by in silico analysis. Since supporting evidence is limited at this time, the clinical significance of this alteration remains unclear.